The following is an entry in ClinVar:

NM_001735.3(C5):c.4163-12C>T

Gene: C5 (complement C5; minus strand). Cytogenetic location: 9q33.2.
Variant type: single nucleotide variant.
Coding change: c.4163-12C>T on transcript NM_001735.3 (MANE Select); 12 bases into the intron before coding-DNA position 4163, C replaced by T.
Molecular consequence: intron variant.
Genome position (GRCh38, 1-based): chr9:120,969,130, G>A on the plus strand (C>T on the coding strand, the complement: C5 is on the minus strand). VCF-style: chr9-120969130-G-A. GRCh37 (hg19) VCF-style: chr9-123731408-G-A.
Other names: c.4181-12C>T (NM_001317163.2).
Identifiers: ClinVar variation 402453 (VCV000402453.16), dbSNP rs10985112, ClinGen allele CA5217263.

ClinVar aggregate classification (germline): Benign/Likely benign. Review status: criteria provided, multiple submitters, no conflicts (2 of 4 stars). 5 submissions from 5 submitters: Benign (4); Likely benign (1). Last evaluated 2026-02-04.

Allele frequency attached by ClinVar (database versions not stated): 1000 Genomes Project 0.19030; TOPMed 0.19938; 1000 Genomes Project 30x 0.20440; ESP Exome Variant Server 0.20752; gnomAD exomes 0.08394 and 0.09773; ExAC 0.10588; gnomAD 0.18140 and 0.18971.
gnomAD v4.1: 150,752 of 1,610,404 alleles (9.4%); highest among the groups gnomAD compares: African/African-American, 47%; 13,325 homozygotes.

Submissions (5):

Labcorp Genetics (formerly Invitae), Labcorp
Classification: Benign. Last evaluated: 2026-02-04. Review status: criteria provided, single submitter. Criteria: Invitae Variant Classification Sherloc (09022015). Collection method: clinical testing. Allele origin: germline.

Women's Health and Genetics/Laboratory Corporation of America, LabCorp
Classification: Benign. Last evaluated: 2026-01-21. Review status: criteria provided, single submitter. Criteria: LabCorp Variant Classification Summary - May 2015. Collection method: clinical testing. Allele origin: germline.

Blueprint Genetics
Classification: Likely benign. Last evaluated: 2024-11-27. Review status: criteria provided, single submitter. Criteria: ACMG Guidelines, 2015. Collection method: clinical testing. Allele origin: germline.

Laboratory for Molecular Medicine, Mass General Brigham Personalized Medicine
Classification: Benign. Last evaluated: 2016-03-28. Review status: criteria provided, single submitter. Criteria: LMM Criteria. Collection method: clinical testing. Allele origin: germline.
Comment: Variant identified in a genome or exome case(s) and assessed due to predicted null impact of the variant or pathogenic assertions in the literature or databases. Disclaimer: This variant has not undergone full assessment. The following are preliminary notes: Frequency

Breakthrough Genomics
Classification: Benign. Review status: criteria provided, single submitter. Criteria: ACMG Guidelines, 2015. Collection method: not provided. Allele origin: germline. Inheritance: Autosomal recessive inheritance. Affected: yes.